The following is an entry in ClinVar:

NM_000851.4(GSTM5):c.537A>C (p.Leu179=)

Gene: GSTM5 (glutathione S-transferase mu 5; plus strand). Cytogenetic location: 1p13.3.
Variant type: single nucleotide variant.
Coding change: c.537A>C on transcript NM_000851.4 (MANE Select); coding-DNA position 537, A replaced by C.
Protein change: p.Leu179=; no amino-acid change (leucine 179 retained).
Molecular consequence: synonymous variant.
Genome position (GRCh38, 1-based): chr1:109,715,210, A>C. VCF-style: chr1-109715210-A-C. GRCh37 (hg19) VCF-style: chr1-110257832-A-C.
Identifiers: ClinVar variation 3239202 (VCV003239202.19), dbSNP rs2524604613.

ClinVar aggregate classification (germline): Likely benign (1 of 4 stars; one submission).

Submission:

CeGaT Center for Human Genetics Tuebingen
Classification: Likely benign. Last evaluated: 2024-05-01. Review status: criteria provided, single submitter. Criteria: CeGaT Center For Human Genetics Tuebingen Variant Classification Criteria Version 2. Collection method: clinical testing. Allele origin: germline. Affected: yes. Observed: 1 variant allele.
Comment: GSTM5: PM2:Supporting, BP4, BP7